The following is an entry in ClinVar:

ClinVar aggregate classification (germline): Uncertain significance (1 of 4 stars; one submission).

Allele frequency attached by ClinVar (database versions not stated): gnomAD exomes 0.00001; TOPMed 0.00002; gnomAD 0.00003; ExAC 0.00005.

Submission:

Ambry Genetics
Classification: Uncertain significance. Last evaluated: 2024-02-10. Review status: criteria provided, single submitter. Criteria: Ambry Variant Classification Scheme 2023. Collection method: clinical testing. Allele origin: germline.
Comment: The p.Q388R variant (also known as c.1163A>G), located in coding exon 4 of the EGLN2 gene, results from an A to G substitution at nucleotide position 1163. The glutamine at codon 388 is replaced by arginine, an amino acid with highly similar properties. This amino acid position is conserved. In addition, this alteration is predicted to be tolerated by in silico analysis. Since supporting evidence is limited at this time, the clinical significance of this alteration remains unclear.

NM_080732.4(EGLN2):c.1163A>G (p.Gln388Arg)

Genes: EGLN2 (egl-9 family hypoxia inducible factor 2; plus strand), RAB4B-EGLN2 (RAB4B-EGLN2 readthrough (NMD candidate); plus strand). Cytogenetic location: 19q13.2.
Variant type: single nucleotide variant.
Coding change: c.1163A>G on transcript NM_080732.4 (MANE Select); coding-DNA position 1163, A replaced by G.
Protein change: p.Gln388Arg; replaces glutamine 388 with arginine.
Molecular consequence: missense variant. On other transcripts: non-coding transcript variant (1).
Genome position (GRCh38, 1-based): chr19:40,807,546, A>G. VCF-style: chr19-40807546-A-G. GRCh37 (hg19) VCF-style: chr19-41313451-A-G.
Other names: c.1163A>G, p.Gln388Arg (NM_053046.4); short protein forms Q388R.
Identifiers: ClinVar variation 1737458 (VCV001737458.2), dbSNP rs775256963, ClinGen allele CA9452448.